The following is an entry in ClinVar:

NM_000070.3(CAPN3):c.2087C>G (p.Ser696Cys)

Gene: CAPN3 (calpain 3; plus strand). Cytogenetic location: 15q15.1.
Variant type: single nucleotide variant.
Coding change: c.2087C>G on transcript NM_000070.3 (MANE Select); coding-DNA position 2087, C replaced by G.
Protein change: p.Ser696Cys; replaces serine 696 with cysteine.
Molecular consequence: missense variant.
Genome position (GRCh38, 1-based): chr15:42,409,967, C>G. VCF-style: chr15-42409967-C-G. GRCh37 (hg19) VCF-style: chr15-42702165-C-G.
Other names: c.2069C>G, p.Ser690Cys (NM_024344.2); c.1811C>G, p.Ser604Cys (NM_173087.2); c.551C>G, p.Ser184Cys (NM_173088.2); c.92C>G, p.Ser31Cys (NM_173089.2, NM_173090.2); short protein forms S31C, S604C, S690C, S696C, S184C.
Identifiers: ClinVar variation 4740748 (VCV004740748.1).

ClinVar aggregate classification (germline): Uncertain significance (1 of 4 stars; one submission).

Conditions:
Autosomal recessive limb-girdle muscular dystrophy type 2A (LGMDR1). Also called: Muscular dystrophy, limb-girdle, type 2A, Amish; LEYDEN-MOEBIUS MUSCULAR DYSTROPHY; MUSCULAR DYSTROPHY, PELVOFEMORAL; Limb-girdle muscular dystrophy, type 2A; Calpainopathy. Identifiers: Orphanet 267, MedGen C1869123, MONDO:0009675, OMIM 253600. Disease mechanism: loss of function.

Submission:

Labcorp Genetics (formerly Invitae), Labcorp
Classification: Uncertain significance for Autosomal recessive limb-girdle muscular dystrophy type 2A. Last evaluated: 2025-10-11. Review status: criteria provided, single submitter. Criteria: Invitae Variant Classification Sherloc (09022015). Collection method: clinical testing. Allele origin: germline.
Comment: This sequence change replaces serine, which is neutral and polar, with cysteine, which is neutral and slightly polar, at codon 696 of the CAPN3 protein (p.Ser696Cys). This variant is not present in population databases (gnomAD no frequency). This variant has not been reported in the literature in individuals affected with CAPN3-related conditions. Invitae Evidence Modeling of protein sequence and biophysical properties (such as structural, functional, and spatial information, amino acid conservation, physicochemical variation, residue mobility, and thermodynamic stability) indicates that this missense variant is not expected to disrupt CAPN3 protein function with a negative predictive value of 80%. In summary, the available evidence is currently insufficient to determine the role of this variant in disease. Therefore, it has been classified as a Variant of Uncertain Significance.